The following is an entry in ClinVar:

ClinVar aggregate classification (germline): Uncertain significance (1 of 4 stars; one submission).

Allele frequency attached by ClinVar (database versions not stated): ExAC 0.00001; gnomAD exomes 0.00001 and 0.00002; gnomAD 0.00004; TOPMed 0.00005; 1000 Genomes Project 30x 0.00016; 1000 Genomes Project 0.00020.
gnomAD v4.1: 13 of 1,612,894 alleles (0.00081%); highest among the groups gnomAD compares: Admixed American, 0.02%; no homozygotes.

Submission:

Labcorp Genetics (formerly Invitae), Labcorp
Classification: Uncertain significance. Last evaluated: 2022-07-27. Review status: criteria provided, single submitter. Criteria: Invitae Variant Classification Sherloc (09022015). Collection method: clinical testing. Allele origin: germline.
Comment: This sequence change replaces alanine, which is neutral and non-polar, with glutamic acid, which is acidic and polar, at codon 1781 of the KIAA1109 protein (p.Ala1781Glu). This variant is present in population databases (rs552175139, gnomAD 0.01%). This variant has not been reported in the literature in individuals affected with KIAA1109-related conditions. ClinVar contains an entry for this variant (Variation ID: 1444531). Algorithms developed to predict the effect of missense changes on protein structure and function are either unavailable or do not agree on the potential impact of this missense change (SIFT: "Deleterious"; PolyPhen-2: "Benign"; Align-GVGD: "Class C0"). In summary, the available evidence is currently insufficient to determine the role of this variant in disease. Therefore, it has been classified as a Variant of Uncertain Significance.

NM_001384125.1(BLTP1):c.5342C>A (p.Ala1781Glu)

Gene: BLTP1 (bridge-like lipid transfer protein family member 1; plus strand). Cytogenetic location: 4q27.
Variant type: single nucleotide variant.
Coding change: c.5342C>A on transcript NM_001384125.1 (MANE Select); coding-DNA position 5342, C replaced by A.
Protein change: p.Ala1781Glu; replaces alanine 1781 with glutamic acid.
Molecular consequence: missense variant.
Genome position (GRCh38, 1-based): chr4:122,247,187, C>A. VCF-style: chr4-122247187-C-A. GRCh37 (hg19) VCF-style: chr4-123168342-C-A.
Other names: c.5342C>A, p.Ala1781Glu (NM_015312.4); short protein forms A1781E.
Identifiers: ClinVar variation 1444531 (VCV001444531.5), dbSNP rs552175139, ClinGen allele CA3066613.